The following is an entry in ClinVar:

ClinVar aggregate classification (germline): Conflicting classifications of pathogenicity. Review status: criteria provided, conflicting classifications (1 of 4 stars). 6 submissions from 6 submitters: Likely pathogenic (1); Uncertain significance (5). Last evaluated 2026-06-04.

Conditions:
IKBKG-related disorder. Also called: IKBKG-related condition.
Ectodermal dysplasia and immunodeficiency 1 (EDAID1). Also called: Hyper-IgM immunodeficiency, X-linked, with hypohidrotic ectodermal dysplasia; ECTODERMAL DYSPLASIA AND IMMUNE DEFICIENCY 1; ECTODERMAL DYSPLASIA, ANHIDROTIC, WITH IMMUNE DEFICIENCY. Identifiers: Orphanet 238468, Orphanet 98813, MedGen C1846008, MONDO:0020740, OMIM 300291.
Inborn genetic diseases. Identifiers: MedGen C0950123, MeSH D030342.

Allele frequency attached by ClinVar (database versions not stated): gnomAD exomes 0.00002 and 0.00015; ExAC 0.00004; TOPMed 0.00005; gnomAD 0.00010 and 0.00011.

Submissions (6):

PreventionGenetics, part of Exact Sciences
Classification: Uncertain significance for IKBKG-related condition. Last evaluated: 2026-06-04. Review status: criteria provided, single submitter. Criteria: ACMG Guidelines, 2015. Collection method: clinical testing. Allele origin: germline.
Comment: The IKBKG c.185G>A variant is predicted to result in the amino acid substitution p.Arg62Gln. This variant was reported in an individual with immunodeficiency (Rae et al. 2018. PubMed ID: 29077208). This variant is reported in 0.0079% of alleles in individuals of Latino descent in gnomAD. At this time, the clinical significance of this variant is uncertain due to the absence of conclusive functional and genetic evidence.

Mendelics
Classification: Uncertain significance for Ectodermal dysplasia and immunodeficiency 1. Last evaluated: 2025-03-21. Review status: criteria provided, single submitter. Criteria: Mendelics Assertion Criteria 2019. Collection method: clinical testing. Allele origin: germline.
Comment: Variant NM_001099857.5(IKBKG):c.185G>A (p.Arg62Gln) has GnomAD 4.1 frequency of 0.0001451 with 46 hemizygotes. Interpreted as VUS.

Women's Health and Genetics/Laboratory Corporation of America, LabCorp
Classification: Uncertain significance. Last evaluated: 2024-04-11. Review status: criteria provided, single submitter. Criteria: LabCorp Variant Classification Summary - May 2015. Collection method: clinical testing. Allele origin: germline.
Comment: Variant summary: IKBKG c.185G>A (p.Arg62Gln) results in a conservative amino acid change located in the NF-kappa-B essential modulator NEMO, N-terminal domain (IPR021063) of the encoded protein sequence. Three of five in-silico tools predict a damaging effect of the variant on protein function. The variant allele was found at a frequency of 2.4e-05 in 166227 control chromosomes (gnomAD). The available data on variant occurrences in the general population are insufficient to allow any conclusion about variant significance. c.185G>A has been reported in the literature in a hemizygous individual affected with primary immunodeficiency (Rae_2018). These data do not allow any conclusion about variant significance. To our knowledge, no experimental evidence demonstrating an impact on protein function has been reported. The following publication has been ascertained in the context of this evaluation (PMID: 29077208). ClinVar contains an entry for this variant (Variation ID: 430903). Based on the evidence outlined above, the variant was classified as uncertain significance.

CeGaT Center for Human Genetics Tuebingen
Classification: Uncertain significance. Last evaluated: 2022-11-01. Review status: criteria provided, single submitter. Criteria: CeGaT Center For Human Genetics Tuebingen Variant Classification Criteria Version 2. Collection method: clinical testing. Allele origin: germline. Affected: yes. Observed: 1 variant allele.
Comment: IKBKG: PS4:Supporting

Ambry Genetics
Classification: Uncertain significance for Inborn genetic diseases. Last evaluated: 2021-06-29. Review status: criteria provided, single submitter. Criteria: Ambry Variant Classification Scheme 2023. Collection method: clinical testing. Allele origin: germline.
Comment: Unlikely to be causative of incontinentia pigmenti (XLD) Based on insufficient or conflicting evidence, the clinical significance of this alteration remains unclear.

Department of Immunology, University Hospital Southampton NHSFT
Classification: Likely pathogenic for Ectodermal dysplasia and immunodeficiency 1. Review status: criteria provided, single submitter. Criteria: ACMG Guidelines, 2015. Collection method: clinical testing. Allele origin: germline. Affected: yes.

Literature cited by the submitters: PubMed 29077208 (cited by Women's Health and Genetics/Laboratory Corporation of America, LabCorp and Department of Immunology, University Hospital Southampton NHSFT).

NM_001099857.5(IKBKG):c.185G>A (p.Arg62Gln)

Gene: IKBKG (inhibitor of nuclear factor kappa B kinase regulatory subunit gamma; plus strand). Cytogenetic location: Xq28.
Variant type: single nucleotide variant.
Coding change: c.185G>A on transcript NM_001099857.5 (MANE Select); coding-DNA position 185, G replaced by A.
Protein change: p.Arg62Gln; replaces arginine 62 with glutamine.
Molecular consequence: missense variant. On other transcripts: non-coding transcript variant (1).
Genome position (GRCh38, 1-based): chrX:154,552,187, G>A. VCF-style: chrX-154552187-G-A. GRCh37 (hg19) VCF-style: chrX-153780402-G-A.
Other names: c.185G>A, p.Arg62Gln (NM_001145255.4, NM_001321396.3, NM_001321397.3 and 5 more transcripts); c.185G>A (NM_001099857.1, NM_001099857.2); c.389G>A, p.Arg130Gln (NM_001099856.6); short protein forms R62Q, R130Q.
Identifiers: ClinVar variation 430903 (VCV000430903.31), dbSNP rs782604431, ClinGen allele CA10566450.